The following is an entry in ClinVar:

ClinVar aggregate classification (germline): Likely pathogenic (1 of 4 stars; one submission).

Submission:

Labcorp Genetics (formerly Invitae), Labcorp
Classification: Likely pathogenic. Last evaluated: 2025-12-02. Review status: criteria provided, single submitter. Criteria: Invitae Variant Classification Sherloc (09022015). Collection method: clinical testing. Allele origin: germline.
Comment: This sequence change affects an acceptor splice site in intron 24 of the SLC12A3 gene. It is expected to disrupt RNA splicing. Variants that disrupt the donor or acceptor splice site typically lead to a loss of protein function (PMID: 16199547), and loss-of-function variants in SLC12A3 are known to be pathogenic (PMID: 20848653, 22009145, 25841442). This variant is not present in population databases (gnomAD no frequency). This variant has not been reported in the literature in individuals affected with SLC12A3-related conditions. Algorithms developed to predict the effect of sequence changes on RNA splicing suggest that this variant may disrupt the consensus splice site. In summary, the currently available evidence indicates that the variant is pathogenic, but additional data are needed to prove that conclusively. Therefore, this variant has been classified as Likely Pathogenic.

Literature cited by the submitters: PubMed 16199547; PubMed 20848653; PubMed 22009145; PubMed 25841442.

NM_001126108.2(SLC12A3):c.2857-2A>G

Gene: SLC12A3 (solute carrier family 12 member 3; plus strand). Cytogenetic location: 16q13.
Variant type: single nucleotide variant.
Coding change: c.2857-2A>G on transcript NM_001126108.2 (MANE Select); the canonical splice acceptor site of the intron before coding-DNA position 2857, A replaced by G.
Molecular consequence: splice acceptor variant.
Genome position (GRCh38, 1-based): chr16:56,904,393, A>G. VCF-style: chr16-56904393-A-G. GRCh37 (hg19) VCF-style: chr16-56938305-A-G.
Other names: c.2884-2A>G (NM_000339.3); c.2881-2A>G (NM_001126107.2); c.2854-2A>G (NM_001410896.1).
Identifiers: ClinVar variation 4714036 (VCV004714036.1).